The following is an entry in ClinVar:

ClinVar aggregate classification (germline): Uncertain significance (1 of 4 stars; one submission).

Conditions:
Inborn genetic diseases. Identifiers: MedGen C0950123, MeSH D030342.

Submission:

Ambry Genetics
Classification: Uncertain significance for Inborn genetic diseases. Last evaluated: 2024-12-10. Review status: criteria provided, single submitter. Criteria: Ambry Variant Classification Scheme 2023. Collection method: clinical testing. Allele origin: germline.
Comment: The p.R616K variant (also known as c.1847G>A), located in coding exon 11 of the FANCM gene, results from a G to A substitution at nucleotide position 1847. The arginine at codon 616 is replaced by lysine, an amino acid with highly similar properties. This amino acid position is conserved. In addition, this alteration is predicted to be tolerated by in silico analysis. Based on the available evidence, the clinical significance of this variant remains unclear.

NM_020937.4(FANCM):c.1847G>A (p.Arg616Lys)

Gene: FANCM (FA complementation group M; plus strand). Cytogenetic location: 14q21.2.
Variant type: single nucleotide variant.
Coding change: c.1847G>A on transcript NM_020937.4 (MANE Select); coding-DNA position 1847, G replaced by A.
Protein change: p.Arg616Lys; replaces arginine 616 with lysine.
Molecular consequence: missense variant.
Genome position (GRCh38, 1-based): chr14:45,167,008, G>A. VCF-style: chr14-45167008-G-A. GRCh37 (hg19) VCF-style: chr14-45636211-G-A.
Other names: c.1769G>A, p.Arg590Lys (NM_001308133.2); c.1847G>A, p.Arg616Lys (NM_001308134.2); short protein forms R590K, R616K.
Identifiers: ClinVar variation 3513001 (VCV003513001.1).